The following is an entry in ClinVar:

ClinVar aggregate classification (germline): Conflicting classifications of pathogenicity. Review status: criteria provided, conflicting classifications (1 of 4 stars). 4 submissions from 4 submitters: Uncertain significance (3); Likely benign (1). Last evaluated 2026-01-26.

Conditions:
Lipoic acid synthetase deficiency. Also called: HYPERGLYCINEMIA, LACTIC ACIDOSIS, AND SEIZURES. Identifiers: Orphanet 401859, MedGen C3280887, MONDO:0013762, OMIM 614462.

Allele frequency attached by ClinVar (database versions not stated): gnomAD 0.00001 and below 0.00001; gnomAD exomes 0.00009; TOPMed 0.00001; ExAC 0.00009.
gnomAD v4.1: 75 of 1,592,314 alleles (0.0047%); highest among the groups gnomAD compares: South Asian, 0.078%; no homozygotes.

Submissions (4):

GeneDx
Classification: Uncertain significance. Last evaluated: 2026-01-26. Review status: criteria provided, single submitter. Criteria: GeneDx Variant Classification Process June 2021. Collection method: clinical testing. Allele origin: germline.
Comment: In silico analysis suggests that this missense variant does not alter protein structure/function; Has not been previously published as pathogenic or benign to our knowledge

Labcorp Genetics (formerly Invitae), Labcorp
Classification: Likely benign for Lipoic acid synthetase deficiency. Last evaluated: 2025-12-22. Review status: criteria provided, single submitter. Criteria: Invitae Variant Classification Sherloc (09022015). Collection method: clinical testing. Allele origin: germline.

Mayo Clinic Laboratories, Mayo Clinic
Classification: Uncertain significance. Last evaluated: 2023-10-31. Review status: criteria provided, single submitter. Criteria: ACMG Guidelines, 2015. Collection method: clinical testing. Allele origin: germline. Observed: 1 variant allele.
Comment: BP4

Baylor Genetics
Classification: Uncertain significance for Lipoic acid synthetase deficiency. Last evaluated: 2019-07-21. Review status: criteria provided, single submitter. Criteria: ACMG Guidelines, 2015. Collection method: clinical testing. Allele origin: unknown. Affected: yes.
Comment: This variant was determined to be of uncertain significance according to ACMG Guidelines, 2015 [PMID:25741868].

NM_006859.4(LIAS):c.76A>G (p.Arg26Gly)

Gene: LIAS (lipoic acid synthetase; plus strand). Cytogenetic location: 4p14.
Variant type: single nucleotide variant.
Coding change: c.76A>G on transcript NM_006859.4 (MANE Select); coding-DNA position 76, A replaced by G.
Protein change: p.Arg26Gly; replaces arginine 26 with glycine.
Molecular consequence: missense variant.
Genome position (GRCh38, 1-based): chr4:39,460,820, A>G. VCF-style: chr4-39460820-A-G. GRCh37 (hg19) VCF-style: chr4-39462440-A-G.
Other names: p.Arg26Gly; c.76A>G (NM_006859.2); c.76A>G, p.Arg26Gly (NM_001278591.2, NM_001278592.2, NM_001363700.2 and 2 more transcripts); short protein forms R26G.
Identifiers: ClinVar variation 1030164 (VCV001030164.14), dbSNP rs773069554, ClinGen allele CA2894573.
Genomic context (GRCh38, chr4:39,460,820, plus strand): 5'-AATAAACGTCATAATTAACTCTTTCTTTAGGTATTTGGGAGATATTTTTGCAGCCCAGTC[A>G]GACCGTTAAGCTCCTTGCCAGATAAAAAAAAGGAACTCCTACAGAATGGACCAGACCTTC-3'
Protein context (NP_006850.2, residues 16-36): VFGRYFCSPV[Arg26Gly]PLSSLPDKKK